The following is an entry in ClinVar:

ClinVar aggregate classification (germline): Benign/Likely benign. Review status: criteria provided, multiple submitters, no conflicts (2 of 4 stars). 12 submissions from 12 submitters: Benign (5); Likely benign (3). 4 of the submissions do not count toward it. Last evaluated 2025-07-09.

Conditions:
Catecholaminergic polymorphic ventricular tachycardia 2. Also called: VENTRICULAR TACHYCARDIA, STRESS-INDUCED POLYMORPHIC 2; CASQ2-Related Catecholaminergic Polymorphic Ventricular Tachycardia. Identifiers: Orphanet 3286, MedGen C2677794, MONDO:0012762, OMIM 611938.
Cardiomyopathy (CMYO). Also called: Cardiomyopathies. Identifiers: Orphanet 167848, MedGen C0878544, MONDO:0004994, HP:0001638. Inheritance: Various modes of inheritance.
Catecholaminergic polymorphic ventricular tachycardia 1. Also called: VENTRICULAR TACHYCARDIA, STRESS-INDUCED POLYMORPHIC 1; RYR2-Related Catecholaminergic Polymorphic Ventricular Tachycardia; VENTRICULAR TACHYCARDIA, CATECHOLAMINERGIC POLYMORPHIC, 1, WITH OR WITHOUT ATRIAL DYSFUNCTION AND/OR DILATED CARDIOMYOPATHY. Identifiers: Orphanet 3286, MedGen C1631597, MONDO:0011484, OMIM 604772.

Submissions (12):

Mayo Clinic Laboratories, Mayo Clinic
Classification: Likely benign. Last evaluated: 2025-07-09. Review status: criteria provided, single submitter. Criteria: ACMG Guidelines, 2015. Collection method: clinical testing. Allele origin: germline. Observed: 12 variant alleles.
Comment: BP4, BP7, PM2_supporting

Labcorp Genetics (formerly Invitae), Labcorp
Classification: Benign for Catecholaminergic polymorphic ventricular tachycardia 1. Last evaluated: 2024-12-27. Review status: criteria provided, single submitter. Criteria: Invitae Variant Classification Sherloc (09022015). Collection method: clinical testing. Allele origin: germline.

Blueprint Genetics
Classification: Likely benign. Last evaluated: 2024-11-26. Review status: criteria provided, single submitter. Criteria: ACMG Guidelines, 2015. Collection method: clinical testing. Allele origin: germline.

Genome-Nilou Lab
Classification: Benign for Catecholaminergic polymorphic ventricular tachycardia 2. Last evaluated: 2023-04-11. Review status: criteria provided, single submitter. Criteria: ACMG Guidelines, 2015. Collection method: clinical testing. Allele origin: germline. Affected: no.

Dubai Health Genomic Medicine Center, Dubai Health
Classification: Benign. Last evaluated: 2020-02-11. Review status: criteria provided, single submitter. Criteria: ACMG Guidelines, 2015. Collection method: clinical testing. Allele origin: germline. Affected: yes.

Women's Health and Genetics/Laboratory Corporation of America, LabCorp
Classification: Benign. Last evaluated: 2019-09-23. Review status: criteria provided, single submitter. Criteria: LabCorp Variant Classification Summary - May 2015. Collection method: clinical testing. Allele origin: germline.
Comment: Variant summary: CASQ2 c.738-8_738-5delTTTT alters a nucleotide located close to a canonical splice site and therefore could affect mRNA splicing, leading to a significantly altered protein sequence. 5/5 computational tools predict no significant impact on normal splicing. However, these predictions have yet to be confirmed by functional studies. The variant was absent in 179292 control chromosomes (gnomAD). However, the variant is located in a homopolymer region of 20 Ts, which is a highly polymorphic region. Therefore, suggesting the region is tolerable to changes in length of poly Ts. To our knowledge, no occurrence of c.738-8_738-5delTTTT in individuals affected with Arrhythmia and no experimental evidence demonstrating its impact on protein function have been reported. A ClinVar submission (evaluation after 2014) cites the variant as benign. Based on the evidence outlined above, the variant was classified as benign.

CHEO Genetics Diagnostic Laboratory, Children's Hospital of Eastern Ontario
Classification: Likely benign for Cardiomyopathy. Last evaluated: 2018-11-02. Review status: criteria provided, single submitter. Criteria: ACMG Guidelines, 2015. Collection method: clinical testing. Allele origin: germline.

Genome Diagnostics Laboratory, University Medical Center Utrecht
Classification: Benign for Catecholaminergic polymorphic ventricular tachycardia 2. Last evaluated: 2016-05-11. Review status: criteria provided, single submitter. Criteria: ACGS Guidelines, 2013. Collection method: clinical testing. Allele origin: germline. Affected: yes. Study: VKGL Data-share Consensus.

Clinical Genetics DNA and cytogenetics Diagnostics Lab, Erasmus MC, Erasmus Medical Center
Classification: Likely benign. Review status: no assertion criteria provided. Collection method: clinical testing. Allele origin: germline. Affected: yes. Study: VKGL Data-share Consensus. Not counted in ClinVar's aggregate classification.

Clinical Genetics, Academic Medical Center
Classification: Benign. Review status: no assertion criteria provided. Collection method: clinical testing. Allele origin: germline. Affected: yes. Study: VKGL Data-share Consensus. Not counted in ClinVar's aggregate classification.

Joint Genome Diagnostic Labs from Nijmegen and Maastricht, Radboudumc and MUMC+
Classification: Likely benign. Review status: no assertion criteria provided. Collection method: clinical testing. Allele origin: germline. Affected: yes. Study: VKGL Data-share Consensus. Not counted in ClinVar's aggregate classification.

Laboratory of Diagnostic Genome Analysis, Leiden University Medical Center (LUMC)
Classification: Likely benign. Review status: no assertion criteria provided. Collection method: clinical testing. Allele origin: germline. Affected: yes. Study: VKGL Data-share Consensus. Not counted in ClinVar's aggregate classification.

NM_001232.4(CASQ2):c.738-8_738-5del

Gene: CASQ2 (calsequestrin 2; minus strand). Cytogenetic location: 1p13.1.
Variant type: Deletion.
Coding change: c.738-8_738-5del on transcript NM_001232.4 (MANE Select); 8 bases into the intron before coding-DNA position 738 through 5 bases into the intron before coding-DNA position 738, 4 bases deleted (TTTT; older notation c.738-8_738-5delTTTT).
Molecular consequence: intron variant.
Genome position (GRCh38, 1-based): chr1:115,725,558-115,725,561, AAAA deleted on the plus strand (TTTT on the coding strand, the reverse complement: CASQ2 is on the minus strand); deleting any 4 consecutive bases within chr1:115,725,558-115,725,580 gives the same sequence; the c. name uses the placement nearest the transcript's 3' end. VCF-style (leftmost placement, unchanged base first): chr1-115725557-GAAAA-G. GRCh37 (hg19) VCF-style: chr1-116268178-GAAAA-G.
Other names: p.?; c.738-8_738-5delTTTT (NM_001232.3).
Identifiers: ClinVar variation 522228 (VCV000522228.18), dbSNP rs56889721, ClinGen allele CA1023774.
Genomic context (GRCh38, chr1:115,725,557, plus strand): 5'-CTCTTTCTTACCCATGTTTCAAACATTTCTTCTGGGCGCAGGCGACGTAGAGTGGGTCTG[GAAAA>G]AAAAAAAAAAAAAAAAAAAGAAAGAGCTTCCTTGAGTAGGGATCACTGTGGCAGACACAG-3'